The following is an entry in ClinVar:

ClinVar aggregate classification (germline): Conflicting classifications of pathogenicity. Review status: criteria provided, conflicting classifications (1 of 4 stars). 2 submissions from 2 submitters: Likely pathogenic (1); Uncertain significance (1). Last evaluated 2024-04-01.

Allele frequency attached by ClinVar (database versions not stated): gnomAD 0.00003.

Submissions (2):

Labcorp Genetics (formerly Invitae), Labcorp
Classification: Likely pathogenic. Last evaluated: 2024-04-01. Review status: criteria provided, single submitter. Criteria: Invitae Variant Classification Sherloc (09022015). Collection method: clinical testing. Allele origin: germline.
Comment: This sequence change affects a donor splice site in intron 17 of the TG gene. It is expected to disrupt RNA splicing. Variants that disrupt the donor or acceptor splice site typically lead to a loss of protein function (PMID: 16199547), and loss-of-function variants in TG are known to be pathogenic (PMID: 19837936, 23164529). This variant is present in population databases (rs748654543, gnomAD 0.0009%). This variant has not been reported in the literature in individuals affected with TG-related conditions. ClinVar contains an entry for this variant (Variation ID: 2503356). Algorithms developed to predict the effect of sequence changes on RNA splicing suggest that this variant may disrupt the consensus splice site. In summary, the currently available evidence indicates that the variant is pathogenic, but additional data are needed to prove that conclusively. Therefore, this variant has been classified as Likely Pathogenic.

GeneDx
Classification: Uncertain significance. Last evaluated: 2022-11-26. Review status: criteria provided, single submitter. Criteria: GeneDx Variant Classification Process June 2021. Collection method: clinical testing. Allele origin: germline. Affected: yes.
Comment: Identified in the heterozygous state in an individual participating in a whole genome sequencing research study, however clinical information for this individual was not provided (Hou et al., 2020); Not observed at significant frequency in large population cohorts (gnomAD); Canonical splice site variant with an unclear effect on protein function; This variant is associated with the following publications: (PMID: 35177841, 31980526)

Literature cited by the submitters: PubMed 16199547 (cited by Labcorp Genetics (formerly Invitae), Labcorp); PubMed 19837936 (cited by Labcorp Genetics (formerly Invitae), Labcorp); PubMed 23164529 (cited by Labcorp Genetics (formerly Invitae), Labcorp).

NM_003235.5(TG):c.3847+1G>C

Gene: TG (thyroglobulin; plus strand). Cytogenetic location: 8q24.22.
Variant type: single nucleotide variant.
Coding change: c.3847+1G>C on transcript NM_003235.5 (MANE Select); the canonical splice donor site of the intron after coding-DNA position 3847, G replaced by C.
Molecular consequence: splice donor variant.
Genome position (GRCh38, 1-based): chr8:132,906,901, G>C. VCF-style: chr8-132906901-G-C. GRCh37 (hg19) VCF-style: chr8-133919146-G-C.
Identifiers: ClinVar variation 2503356 (VCV002503356.4), dbSNP rs748654543, ClinGen allele CA4883900.